The following is an entry in ClinVar:

NM_001365536.1(SCN9A):c.3821T>G (p.Val1274Gly)

Genes: SCN1A-AS1 (SCN1A and SCN9A antisense RNA 1; plus strand), SCN9A (sodium voltage-gated channel alpha subunit 9; minus strand). Cytogenetic location: 2q24.3.
Variant type: single nucleotide variant.
Coding change: c.3821T>G on transcript NM_001365536.1 (MANE Select); coding-DNA position 3821, T replaced by G.
Protein change: p.Val1274Gly; replaces valine 1274 with glycine.
Molecular consequence: missense variant.
Genome position (GRCh38, 1-based): chr2:166,233,443, A>C on the plus strand (T>G on the coding strand, the complement: SCN9A is on the minus strand). VCF-style: chr2-166233443-A-C. GRCh37 (hg19) VCF-style: chr2-167089953-A-C.
Other names: c.3788T>G, p.Val1263Gly (NM_002977.4); short protein forms V1274G, V1263G.
Identifiers: ClinVar variation 4783388 (VCV004783388.1).

ClinVar aggregate classification (germline): Uncertain significance (1 of 4 stars; one submission).

Conditions:
Neuropathy, hereditary sensory and autonomic, type 2A (HSAN2A). Also called: ACROOSTEOLYSIS, GIACCAI TYPE; ACROOSTEOLYSIS, NEUROGENIC; WNK1-Related HSAN2 (HSAN2A); NEUROPATHY, HEREDITARY SENSORY RADICULAR, AUTOSOMAL RECESSIVE; MORVAN DISEASE; NEUROPATHY, CONGENITAL SENSORY. Identifiers: Orphanet 970, MedGen C2752089, MONDO:0024309, OMIM 201300.
Generalized epilepsy with febrile seizures plus, type 7 (GEFSP7). Also called: GEFS+, TYPE 7. Identifiers: Orphanet 36387, MedGen C2751778, MONDO:0013470, OMIM 613863.

gnomAD v4.1: 3 of 1,572,646 alleles (0.00019%); highest among the groups gnomAD compares: East Asian, 0.0069%; no homozygotes.

Submission:

Labcorp Genetics (formerly Invitae), Labcorp
Classification: Uncertain significance for Neuropathy, hereditary sensory and autonomic, type 2A; Generalized epilepsy with febrile seizures plus, type 7. Last evaluated: 2025-07-08. Review status: criteria provided, single submitter. Criteria: Invitae Variant Classification Sherloc (09022015). Collection method: clinical testing. Allele origin: germline.
Comment: This sequence change replaces valine, which is neutral and non-polar, with glycine, which is neutral and non-polar, at codon 1263 of the SCN9A protein (p.Val1263Gly). This variant is not present in population databases (gnomAD no frequency). This variant has not been reported in the literature in individuals affected with SCN9A-related conditions. Invitae Evidence Modeling of protein sequence and biophysical properties (such as structural, functional, and spatial information, amino acid conservation, physicochemical variation, residue mobility, and thermodynamic stability) indicates that this missense variant is not expected to disrupt SCN9A protein function with a negative predictive value of 95%. Algorithms developed to predict the effect of sequence changes on RNA splicing suggest that this variant may create or strengthen a splice site. In summary, the available evidence is currently insufficient to determine the role of this variant in disease. Therefore, it has been classified as a Variant of Uncertain Significance.